The following is an entry in ClinVar:

ClinVar aggregate classification (germline): Uncertain significance (1 of 4 stars; one submission).

gnomAD v4.1: 2 of 1,532,078 alleles (0.00013%); highest among the groups gnomAD compares: South Asian, 0.0012%; no homozygotes.

Submission:

Labcorp Genetics (formerly Invitae), Labcorp
Classification: Uncertain significance. Last evaluated: 2022-04-01. Review status: criteria provided, single submitter. Criteria: Invitae Variant Classification Sherloc (09022015). Collection method: clinical testing. Allele origin: germline.
Comment: This sequence change replaces proline, which is neutral and non-polar, with leucine, which is neutral and non-polar, at codon 4 of the WNT2B protein (p.Pro4Leu). The frequency data for this variant in the population databases is considered unreliable, as metrics indicate poor data quality at this position in the gnomAD database. In summary, the available evidence is currently insufficient to determine the role of this variant in disease. Therefore, it has been classified as a Variant of Uncertain Significance. Algorithms developed to predict the effect of missense changes on protein structure and function output the following: SIFT: "Tolerated"; PolyPhen-2: "Possibly Damaging"; Align-GVGD: "Class C0". The leucine amino acid residue is found in multiple mammalian species, which suggests that this missense change does not adversely affect protein function. This variant has not been reported in the literature in individuals affected with WNT2B-related conditions.

NM_024494.3(WNT2B):c.11C>T (p.Pro4Leu)

Genes: WNT2B (Wnt family member 2B; plus strand), LOC129931208 (ATAC-STARR-seq lymphoblastoid silent region 1200; plus strand). Cytogenetic location: 1p13.2.
Variant type: single nucleotide variant.
Coding change: c.11C>T on transcript NM_024494.3 (MANE Select); coding-DNA position 11, C replaced by T.
Protein change: p.Pro4Leu; replaces proline 4 with leucine.
Molecular consequence: missense variant. On other transcripts: intron variant (2).
Genome position (GRCh38, 1-based): chr1:112,509,273, C>T. VCF-style: chr1-112509273-C-T. GRCh37 (hg19) VCF-style: chr1-113051895-C-T.
Other names: c.126-5601C>T (NM_004185.4); c.-94-5601C>T (NM_001291880.1); short protein forms P4L.
Identifiers: ClinVar variation 2119068 (VCV002119068.4), dbSNP rs1314920760, ClinGen allele CA341650516.
Genomic context (GRCh38, chr1:112,509,273, plus strand): 5'-TGCCCCGTCCACGCCCCTCCGGGCTGCGCGGCGGGAGTCTTCGGGGAGCTATGCTGAGAC[C>T]GGGTGGTGCGGAGGAAGCTGCGCAGCTCCCGCTTCGGCGCGCCAGCGCCCCGGTCCCTGT-3'
Protein context (NP_078613.1, residues 1-14): MLR[Pro4Leu]GGAEEAAQLP